The following is an entry in ClinVar:

ClinVar aggregate classification (germline): Uncertain significance (1 of 4 stars; one submission).

Conditions:
Saldino-Mainzer syndrome (SRTD9). Also called: CONORENAL SYNDROME; Renal dysplasia, retinal pigmentary dystrophy, cerebellar ataxia and skeletal dysplasia; SHORT-RIB THORACIC DYSPLASIA 9 WITHOUT POLYDACTYLY; short-rib thoracic dysplasia 9 with or without polydactyly. Identifiers: Orphanet 140969, MedGen C1849437, MONDO:0009964, OMIM 266920.

Submission:

Labcorp Genetics (formerly Invitae), Labcorp
Classification: Uncertain significance for Saldino-Mainzer syndrome. Last evaluated: 2025-11-13. Review status: criteria provided, single submitter. Criteria: Invitae Variant Classification Sherloc (09022015). Collection method: clinical testing. Allele origin: germline.
Comment: This sequence change replaces valine, which is neutral and non-polar, with alanine, which is neutral and non-polar, at codon 649 of the IFT140 protein (p.Val649Ala). This variant is not present in population databases (gnomAD no frequency). This variant has not been reported in the literature in individuals affected with IFT140-related conditions. Invitae Evidence Modeling of protein sequence and biophysical properties (such as structural, functional, and spatial information, amino acid conservation, physicochemical variation, residue mobility, and thermodynamic stability) indicates that this missense variant is not expected to disrupt IFT140 protein function with a negative predictive value of 95%. In summary, the available evidence is currently insufficient to determine the role of this variant in disease. Therefore, it has been classified as a Variant of Uncertain Significance.

NM_014714.4(IFT140):c.1946T>C (p.Val649Ala)

Gene: IFT140 (intraflagellar transport 140; minus strand). Cytogenetic location: 16p13.3.
Variant type: single nucleotide variant.
Coding change: c.1946T>C on transcript NM_014714.4 (MANE Select); coding-DNA position 1946, T replaced by C.
Protein change: p.Val649Ala; replaces valine 649 with alanine.
Molecular consequence: missense variant.
Genome position (GRCh38, 1-based): chr16:1,564,118, A>G on the plus strand (T>C on the coding strand, the complement: IFT140 is on the minus strand). VCF-style: chr16-1564118-A-G. GRCh37 (hg19) VCF-style: chr16-1614119-A-G.
Other names: short protein forms V649A.
Identifiers: ClinVar variation 4745832 (VCV004745832.1).